The following is an entry in ClinVar:

ClinVar aggregate classification (germline): Uncertain significance (1 of 4 stars; one submission).

Conditions:
2-aminoadipic 2-oxoadipic aciduria (AAKAD). Also called: Aminoadipic aciduria; ALPHA-AMINOADIPIC AND ALPHA-KETOADIPIC ACIDURIA. Identifiers: Orphanet 79154, MedGen C1859817, MONDO:0008774, OMIM 204750.

gnomAD v4.1: 1 of 1,614,048 alleles (0.000062%); highest among the groups gnomAD compares: Non-Finnish European, 0.000085%; no homozygotes.

Submission:

Labcorp Genetics (formerly Invitae), Labcorp
Classification: Uncertain significance for 2-aminoadipic 2-oxoadipic aciduria. Last evaluated: 2024-10-16. Review status: criteria provided, single submitter. Criteria: Invitae Variant Classification Sherloc (09022015). Collection method: clinical testing. Allele origin: germline.
Comment: This sequence change replaces glycine, which is neutral and non-polar, with valine, which is neutral and non-polar, at codon 470 of the DHTKD1 protein (p.Gly470Val). This variant is not present in population databases (gnomAD no frequency). This variant has not been reported in the literature in individuals affected with DHTKD1-related conditions. Invitae Evidence Modeling of protein sequence and biophysical properties (such as structural, functional, and spatial information, amino acid conservation, physicochemical variation, residue mobility, and thermodynamic stability) indicates that this missense variant is expected to disrupt DHTKD1 protein function with a positive predictive value of 80%. In summary, the available evidence is currently insufficient to determine the role of this variant in disease. Therefore, it has been classified as a Variant of Uncertain Significance.

NM_018706.7(DHTKD1):c.1409G>T (p.Gly470Val)

Gene: DHTKD1 (dehydrogenase E1 and transketolase domain containing 1; plus strand). Cytogenetic location: 10p14.
Variant type: single nucleotide variant.
Coding change: c.1409G>T on transcript NM_018706.7 (MANE Select); coding-DNA position 1409, G replaced by T.
Protein change: p.Gly470Val; replaces glycine 470 with valine.
Molecular consequence: missense variant.
Genome position (GRCh38, 1-based): chr10:12,097,734, G>T. VCF-style: chr10-12097734-G-T. GRCh37 (hg19) VCF-style: chr10-12139733-G-T.
Other names: short protein forms G470V.
Identifiers: ClinVar variation 3690885 (VCV003690885.2).